The following is an entry in ClinVar:

ClinVar aggregate classification (germline): Uncertain significance (1 of 4 stars; one submission).

Submission:

CeGaT Center for Human Genetics Tuebingen
Classification: Uncertain significance. Last evaluated: 2025-10-01. Review status: criteria provided, single submitter. Criteria: CeGaT Center For Human Genetics Tuebingen Variant Classification Criteria Version 2. Collection method: clinical testing. Allele origin: germline. Affected: yes. Observed: 1 variant allele.
Comment: TANC2: PM2

NM_001394998.1(TANC2):c.4280C>T (p.Ala1427Val)

Gene: TANC2 (tetratricopeptide repeat, ankyrin repeat and coiled-coil containing 2; plus strand). Cytogenetic location: 17q23.3.
Variant type: single nucleotide variant.
Coding change: c.4280C>T on transcript NM_001394998.1 (MANE Select); coding-DNA position 4280, C replaced by T.
Protein change: p.Ala1427Val; replaces alanine 1427 with valine.
Molecular consequence: missense variant.
Genome position (GRCh38, 1-based): chr17:63,420,010, C>T. VCF-style: chr17-63420010-C-T. GRCh37 (hg19) VCF-style: chr17-61497371-C-T.
Other names: c.4058C>T, p.Ala1353Val (NM_001411076.1); c.4028C>T, p.Ala1343Val (NM_025185.4); short protein forms A1343V, A1353V, A1427V.
Identifiers: ClinVar variation 4535028 (VCV004535028.6).